The following is an entry in ClinVar:

ClinVar aggregate classification (germline): Uncertain significance. Review status: criteria provided, multiple submitters, no conflicts (2 of 4 stars). 10 submissions from 10 submitters: Uncertain significance (9). 1 of the submissions does not count toward it. Last evaluated 2026-01-20.

Conditions:
Familial colorectal cancer type X. Identifiers: Orphanet 440437, MedGen C3896578, MONDO:0018604.
Polymerase proofreading-related adenomatous polyposis. Also called: Polymerase proofreading associated polyposis; Polymerase proofreading–associated polyposis (PPAP). Identifiers: Orphanet 447877, MedGen C5202613, MONDO:0018653.
Colorectal cancer, susceptibility to, 12 (CRCS12). Also called: COLORECTAL CANCER, SUSCEPTIBILITY TO, ON CHROMOSOME 12q24. Identifiers: Orphanet 220460, MedGen C3554460, MONDO:0014038, OMIM 615083.
POLE-related disorder. Also called: POLE-related disorders; POLE-related condition.
Facial dysmorphism-immunodeficiency-livedo-short stature syndrome. Also called: Facial dysmorphism, immunodeficiency, livedo, and short stature; FILS syndrome. Identifiers: Orphanet 352712, MedGen C3554576, MONDO:0014058, OMIM 615139.
Intrauterine growth retardation, metaphyseal dysplasia, adrenal hypoplasia congenita, genital anomalies, and immunodeficiency. Also called: IMAGEI SYNDROME. Identifiers: MedGen C5193036, MONDO:0032684, OMIM 618336.
Hereditary cancer-predisposing syndrome. Also called: Tumor predisposition; Neoplastic Syndromes, Hereditary; Hereditary Cancer Syndrome; Hereditary neoplastic syndrome. Identifiers: Orphanet 140162, MedGen C0027672, MeSH D009386, MONDO:0015356.

Allele frequency attached by ClinVar (database versions not stated): gnomAD exomes 0.00007; ExAC 0.00009; gnomAD 0.00009 and 0.00010; TOPMed 0.00010; ESP Exome Variant Server 0.00015.
gnomAD v4.1: 192 of 1,613,890 alleles (0.012%); highest among the groups gnomAD compares: Non-Finnish European, 0.015%; no homozygotes.

Submissions (10):

Labcorp Genetics (formerly Invitae), Labcorp
Classification: Uncertain significance. Last evaluated: 2026-01-20. Review status: criteria provided, single submitter. Criteria: Invitae Variant Classification Sherloc (09022015). Collection method: clinical testing. Allele origin: germline.
Comment: This sequence change replaces leucine, which is neutral and non-polar, with phenylalanine, which is neutral and non-polar, at codon 2244 of the POLE protein (p.Leu2244Phe). This variant is present in population databases (rs375741031, gnomAD 0.01%). This variant has not been reported in the literature in individuals affected with POLE-related conditions. ClinVar contains an entry for this variant (Variation ID: 240616). Invitae Evidence Modeling of protein sequence and biophysical properties (such as structural, functional, and spatial information, amino acid conservation, physicochemical variation, residue mobility, and thermodynamic stability) indicates that this missense variant is not expected to disrupt POLE protein function with a negative predictive value of 80%. In summary, the available evidence is currently insufficient to determine the role of this variant in disease. Therefore, it has been classified as a Variant of Uncertain Significance.

Center for Genomic Medicine, Rigshospitalet, Copenhagen University Hospital
Classification: Uncertain significance. Last evaluated: 2025-12-29. Review status: criteria provided, single submitter. Criteria: ACMG Guidelines, 2015. Collection method: clinical testing. Allele origin: germline.

GeneDx
Classification: Uncertain significance. Last evaluated: 2025-02-18. Review status: criteria provided, single submitter. Criteria: GeneDx Variant Classification Process June 2021. Collection method: clinical testing. Allele origin: germline. Affected: yes.
Comment: In silico analysis indicates that this missense variant does not alter protein structure/function; Observed in both cases and controls in an ovarian cancer study (PMID: 32546565); This variant is associated with the following publications: (PMID: 23292937, 19296856, 32546565)

Ambry Genetics
Classification: Uncertain significance for Hereditary cancer-predisposing syndrome. Last evaluated: 2024-12-16. Review status: criteria provided, single submitter. Criteria: Ambry Variant Classification Scheme 2023. Collection method: clinical testing. Allele origin: germline.
Comment: The p.L2244F variant (also known as c.6730C>T), located in coding exon 48 of the POLE gene, results from a C to T substitution at nucleotide position 6730. The leucine at codon 2244 is replaced by phenylalanine, an amino acid with highly similar properties. This amino acid position is highly conserved in available vertebrate species. In addition, this alteration is predicted to be tolerated by in silico analysis. Based on the available evidence, the clinical significance of this variant remains unclear.

Fulgent Genetics
Classification: Uncertain significance for Colorectal cancer, susceptibility to, 12; Facial dysmorphism-immunodeficiency-livedo-short stature syndrome; Intrauterine growth retardation, metaphyseal dysplasia, adrenal hypoplasia congenita, genital anomalies, and immunodeficiency. Last evaluated: 2024-03-21. Review status: criteria provided, single submitter. Criteria: ACMG Guidelines, 2015. Collection method: clinical testing. Allele origin: germline.

St. Jude Molecular Pathology, St. Jude Children's Research Hospital
Classification: Uncertain significance for Colorectal cancer, susceptibility to, 12. Last evaluated: 2021-11-11. Review status: criteria provided, single submitter. Criteria: St. Jude Assertion Criteria 2020. Collection method: clinical testing. Allele origin: germline.
Comment: The POLE c.6730C>T (p.Leu2244Phe) missense change has a maximum subpopulation frequency of 0.013% in gnomAD v2.1.1. Five of seven in silico tools predict a benign effect of this variant on protein function (BP4), but to our knowledge these predictions have not been confirmed by functional assays. To our knowledge, this variant has not been reported in in individuals with POLE-related disease, tumors exhibiting microsatellite instability (MSI-H), or tumors with a high mutational burden. In summary, this variant meets criteria to be classified as of uncertain significance based on the ACMG/AMP criteria: BP4.

Department of Pathology and Laboratory Medicine, Sinai Health System
Classification: Uncertain significance for Polymerase proofreading-related adenomatous polyposis; Familial colorectal cancer type X. Last evaluated: 2020-06-16. Review status: criteria provided, single submitter. Criteria: ACMG Guidelines, 2015. Collection method: clinical testing. Allele origin: germline. Affected: yes.

Quest Diagnostics Nichols Institute San Juan Capistrano
Classification: Uncertain significance. Last evaluated: 2017-12-04. Review status: criteria provided, single submitter. Criteria: Quest Diagnostics criteria. Collection method: clinical testing. Allele origin: germline.

Laboratory for Molecular Medicine, Mass General Brigham Personalized Medicine
Classification: Uncertain significance. Last evaluated: 2016-11-15. Review status: criteria provided, single submitter. Criteria: LMM Criteria. Collection method: clinical testing. Allele origin: germline. Observed: 1 variant allele.
Comment: The p.Leu2244Phe variant in POLE has not been previously reported in individuals with colorectal cancer, but has been identified in 11/66236 of European chromos omes by the Exome Aggregation Consortium (ExAC; dbSNP rs375741031). Computational prediction tools and conservation analysis sug gest that this variant may not impact the protein, though this information is no t predictive enough to rule out pathogenicity. In summary, the clinical signific ance of the p.Leu2244Phe variant is uncertain.

PreventionGenetics, part of Exact Sciences
Classification: Uncertain significance for POLE-related condition. Last evaluated: 2024-05-09. Review status: no assertion criteria provided. Collection method: clinical testing. Allele origin: germline. Not counted in ClinVar's aggregate classification.
Comment: The POLE c.6730C>T variant is predicted to result in the amino acid substitution p.Leu2244Phe. To our knowledge, this variant has not been reported in the literature. This variant is reported in 0.013% of alleles in individuals of European (Non-Finnish) descent in gnomAD and is interpreted as uncertain significance in ClinVar. At this time, the clinical significance of this variant is uncertain due to the absence of conclusive functional and genetic evidence.

NM_006231.4(POLE):c.6730C>T (p.Leu2244Phe)

Gene: POLE (DNA polymerase epsilon, catalytic subunit; minus strand). Cytogenetic location: 12q24.33.
Variant type: single nucleotide variant.
Coding change: c.6730C>T on transcript NM_006231.4 (MANE Select); coding-DNA position 6730, C replaced by T.
Protein change: p.Leu2244Phe; replaces leucine 2244 with phenylalanine.
Molecular consequence: missense variant.
Genome position (GRCh38, 1-based): chr12:132,624,922, G>A on the plus strand (C>T on the coding strand, the complement: POLE is on the minus strand). VCF-style: chr12-132624922-G-A. GRCh37 (hg19) VCF-style: chr12-133201508-G-A.
Other names: short protein forms L2244F.
Identifiers: ClinVar variation 240616 (VCV000240616.45), dbSNP rs375741031, ClinGen allele CA6892003.
Genomic context (GRCh38, chr12:132,624,922, plus strand): 5'-CAAGGAGGCCAGGCTGAGCCGAGGCAGATGAGGGAGAGCCCACCTGGGTGTGGATGGTGA[G>A]GGCGAAGTCTCCCGCGCAGCTGCAGTACACAGGCATGCTGGTCTCCTTCACCCCGCGGCA-3'
Protein context (NP_006222.2, residues 2234-2254): VYCSCAGDFA[Leu2244Phe]TIHTQVFMEQ